The following is an entry in ClinVar:

ClinVar aggregate classification (germline): Uncertain significance (1 of 4 stars; one submission).

Conditions:
Inborn genetic diseases. Identifiers: MedGen C0950123, MeSH D030342.

gnomAD v4.1: 3 of 1,613,920 alleles (0.00019%); highest among the groups gnomAD compares: Admixed American, 0.005%; no homozygotes.

Submission:

Ambry Genetics
Classification: Uncertain significance for Inborn genetic diseases. Last evaluated: 2024-12-10. Review status: criteria provided, single submitter. Criteria: Ambry Variant Classification Scheme 2023. Collection method: clinical testing. Allele origin: germline.
Comment: The p.V292I variant (also known as c.874G>A), located in coding exon 1 of the SAMD9 gene, results from a G to A substitution at nucleotide position 874. The valine at codon 292 is replaced by isoleucine, an amino acid with highly similar properties. This amino acid position is conserved. In addition, this alteration is predicted to be tolerated by in silico analysis. Based on the available evidence, the clinical significance of this variant remains unclear.

NM_017654.4(SAMD9):c.874G>A (p.Val292Ile)

Gene: SAMD9 (sterile alpha motif domain containing 9; minus strand). Cytogenetic location: 7q21.2.
Variant type: single nucleotide variant.
Coding change: c.874G>A on transcript NM_017654.4 (MANE Select); coding-DNA position 874, G replaced by A.
Protein change: p.Val292Ile; replaces valine 292 with isoleucine.
Molecular consequence: missense variant.
Genome position (GRCh38, 1-based): chr7:93,105,224, C>T on the plus strand (G>A on the coding strand, the complement: SAMD9 is on the minus strand). VCF-style: chr7-93105224-C-T. GRCh37 (hg19) VCF-style: chr7-92734537-C-T.
Other names: c.874G>A, p.Val292Ile (NM_001193307.2); short protein forms V292I.
Identifiers: ClinVar variation 3437114 (VCV003437114.1).
Genomic context (GRCh38, chr7:93,105,224, plus strand): 5'-GTGGAATAATGTCCACTTCAATAACAAATCTGTCAGATAGAGTACTATTTGGCAGTAAAA[C>T]TTCCACAAATCTTGGCTCTCGAATGCACTTCTTTGCTTGTTGGACTTGATGGTCTTCAAA-3'
Protein context (NP_060124.2, residues 282-302): KCIREPRFVE[Val292Ile]LLPNSTLSDR